The following is an entry in ClinVar:

NM_001379081.2(FREM1):c.6482A>T (p.Gln2161Leu)

Gene: FREM1 (FRAS1 related extracellular matrix 1; minus strand). Cytogenetic location: 9p22.3.
Variant type: single nucleotide variant.
Coding change: c.6482A>T on transcript NM_001379081.2 (MANE Select); coding-DNA position 6482, A replaced by T.
Protein change: p.Gln2161Leu; replaces glutamine 2161 with leucine.
Molecular consequence: missense variant. On other transcripts: 3 prime UTR variant (1), non-coding transcript variant (3).
Genome position (GRCh38, 1-based): chr9:14,737,454, T>A on the plus strand (A>T on the coding strand, the complement: FREM1 is on the minus strand). VCF-style: chr9-14737454-T-A. GRCh37 (hg19) VCF-style: chr9-14737452-T-A.
Other names: c.2090A>T, p.Gln697Leu (NM_001177704.3, NM_001370061.2); c.*93A>T (NM_001370058.2); c.6482A>T, p.Gln2161Leu (NM_144966.7); short protein forms Q2161L, Q697L.
Identifiers: ClinVar variation 1968765 (VCV001968765.4), dbSNP rs1273148252, ClinGen allele CA372961131.
Genomic context (GRCh38, chr9:14,737,454, plus strand): 5'-ATTTAGAGTTTTCTGGAACACACATAATTATGAGGTTTGGCTCTCCTACAGTCTTTTGTT[T>A]GCCATTTCCCTTGTCTTTGAACCAAAACACAGCTCTTTCCAAGCTTGGAGCGTTGAGAGG-3'
Protein context (NP_001366010.1, residues 2151-2171): CVLVQRQGKW[Gln2161Leu]TKDCRRAKPH

ClinVar aggregate classification (germline): Uncertain significance (1 of 4 stars; one submission).

gnomAD v4.1: 1 of 1,613,770 alleles (0.000062%); no homozygotes.

Submission:

Labcorp Genetics (formerly Invitae), Labcorp
Classification: Uncertain significance. Last evaluated: 2022-06-09. Review status: criteria provided, single submitter. Criteria: Invitae Variant Classification Sherloc (09022015). Collection method: clinical testing. Allele origin: germline.
Comment: This variant has not been reported in the literature in individuals affected with FREM1-related conditions. This variant is not present in population databases (gnomAD no frequency). This sequence change replaces glutamine, which is neutral and polar, with leucine, which is neutral and non-polar, at codon 2161 of the FREM1 protein (p.Gln2161Leu). Algorithms developed to predict the effect of missense changes on protein structure and function are either unavailable or do not agree on the potential impact of this missense change (SIFT: "Deleterious"; PolyPhen-2: "Benign"; Align-GVGD: "Class C0"). In summary, the available evidence is currently insufficient to determine the role of this variant in disease. Therefore, it has been classified as a Variant of Uncertain Significance.